The following is an entry in ClinVar:

ClinVar aggregate classification (germline): Uncertain significance (1 of 4 stars; one submission).

Conditions:
Autosomal dominant Parkinson disease 8. Also called: Parkinson disease 8, susceptibility to; LRRK2-Related Parkinson Disease; Parkinson disease 8. Identifiers: Orphanet 411602, MedGen C1846862, MONDO:0011764, OMIM 607060.

Submission:

Labcorp Genetics (formerly Invitae), Labcorp
Classification: Uncertain significance for Autosomal dominant Parkinson disease 8. Last evaluated: 2025-09-09. Review status: criteria provided, single submitter. Criteria: Invitae Variant Classification Sherloc (09022015). Collection method: clinical testing. Allele origin: germline.
Comment: This sequence change replaces glycine, which is neutral and non-polar, with arginine, which is basic and polar, at codon 2218 of the LRRK2 protein (p.Gly2218Arg). This variant is not present in population databases (gnomAD no frequency). This variant has not been reported in the literature in individuals affected with LRRK2-related conditions. Invitae Evidence Modeling of protein sequence and biophysical properties (such as structural, functional, and spatial information, amino acid conservation, physicochemical variation, residue mobility, and thermodynamic stability) has been performed for this missense variant. However, the output from this modeling did not meet the statistical confidence thresholds required to predict the impact of this variant on LRRK2 protein function. In summary, the available evidence is currently insufficient to determine the role of this variant in disease. Therefore, it has been classified as a Variant of Uncertain Significance.

NM_198578.4(LRRK2):c.6652G>C (p.Gly2218Arg)

Gene: LRRK2 (leucine rich repeat kinase 2; plus strand). Cytogenetic location: 12q12.
Variant type: single nucleotide variant.
Coding change: c.6652G>C on transcript NM_198578.4 (MANE Select); coding-DNA position 6652, G replaced by C.
Protein change: p.Gly2218Arg; replaces glycine 2218 with arginine.
Molecular consequence: missense variant.
Genome position (GRCh38, 1-based): chr12:40,354,374, G>C. VCF-style: chr12-40354374-G-C. GRCh37 (hg19) VCF-style: chr12-40748176-G-C.
Other names: short protein forms G2218R.
Identifiers: ClinVar variation 4714817 (VCV004714817.1).
Genomic context (GRCh38, chr12:40,354,374, plus strand): 5'-AGAATATTGTGCTTAGCCTTGGTGCATCTTCCTGTTGAAAAGGAAAGCTGGATTGTGTCT[G>C]GGACACAGTCTGGTACTCTCCTGGTCATCAATACCGAAGATGGGAAAAAGAGACATACCC-3'
Protein context (NP_940980.4, residues 2208-2228): PVEKESWIVS[Gly2218Arg]TQSGTLLVIN